The following is an entry in ClinVar:

NM_004273.5(CHST3):c.276C>A (p.Ser92Arg)

Gene: CHST3 (carbohydrate sulfotransferase 3; plus strand). Cytogenetic location: 10q22.1.
Variant type: single nucleotide variant.
Coding change: c.276C>A on transcript NM_004273.5 (MANE Select); coding-DNA position 276, C replaced by A.
Protein change: p.Ser92Arg; replaces serine 92 with arginine.
Molecular consequence: missense variant.
Genome position (GRCh38, 1-based): chr10:72,007,307, C>A. VCF-style: chr10-72007307-C-A. GRCh37 (hg19) VCF-style: chr10-73767065-C-A.
Other names: short protein forms S92R.
Identifiers: ClinVar variation 300557 (VCV000300557.11), dbSNP rs777858428, ClinGen allele CA5548051.

ClinVar aggregate classification (germline): Uncertain significance. Review status: criteria provided, multiple submitters, no conflicts (2 of 4 stars). 2 submissions from 2 submitters: Uncertain significance (2). Last evaluated 2025-05-17.

Conditions:
Inborn genetic diseases. Identifiers: MedGen C0950123, MeSH D030342.
Spondyloepiphyseal dysplasia with congenital joint dislocations (SEDCJD). Also called: Chondrodysplasia with Congenital Joint Dislocations, CHST3-Related. Identifiers: Orphanet 263463, MedGen C1837657, MONDO:0007738, OMIM 143095.

Allele frequency attached by ClinVar (database versions not stated): gnomAD 0.00004 and 0.00005; TOPMed 0.00005; gnomAD exomes 0.00006 and 0.00008; ExAC 0.00009.

Submissions (2):

Ambry Genetics
Classification: Uncertain significance for Inborn genetic diseases. Last evaluated: 2025-05-17. Review status: criteria provided, single submitter. Criteria: Ambry Variant Classification Scheme 2023. Collection method: clinical testing. Allele origin: germline.

Labcorp Genetics (formerly Invitae), Labcorp
Classification: Uncertain significance for Spondyloepiphyseal dysplasia with congenital joint dislocations. Last evaluated: 2022-08-05. Review status: criteria provided, single submitter. Criteria: Invitae Variant Classification Sherloc (09022015). Collection method: clinical testing. Allele origin: germline.
Comment: This sequence change replaces serine, which is neutral and polar, with arginine, which is basic and polar, at codon 92 of the CHST3 protein (p.Ser92Arg). This variant is present in population databases (rs777858428, gnomAD 0.01%). This variant has not been reported in the literature in individuals affected with CHST3-related conditions. ClinVar contains an entry for this variant (Variation ID: 300557). Algorithms developed to predict the effect of missense changes on protein structure and function (SIFT, PolyPhen-2, Align-GVGD) all suggest that this variant is likely to be tolerated. In summary, the available evidence is currently insufficient to determine the role of this variant in disease. Therefore, it has been classified as a Variant of Uncertain Significance.